The following is an entry in ClinVar:

ClinVar aggregate classification (germline): Uncertain significance (1 of 4 stars; one submission).

Conditions:
Pitt-Hopkins-like syndrome 2 (PTHSL2). Identifiers: Orphanet 221150, Orphanet 600663, MedGen C3280479, MONDO:0013690, OMIM 614325.

gnomAD v4.1: 1 of 1,614,022 alleles (0.000062%); highest among the groups gnomAD compares: South Asian, 0.0011%; no homozygotes.

Submission:

Labcorp Genetics (formerly Invitae), Labcorp
Classification: Uncertain significance for Pitt-Hopkins-like syndrome 2. Last evaluated: 2019-10-25. Review status: criteria provided, single submitter. Criteria: Invitae Variant Classification Sherloc (09022015). Collection method: clinical testing. Allele origin: germline.
Comment: In summary, the available evidence is currently insufficient to determine the role of this variant in disease. Therefore, it has been classified as a Variant of Uncertain Significance. Algorithms developed to predict the effect of missense changes on protein structure and function (SIFT, PolyPhen-2, Align-GVGD) all suggest that this variant is likely to be tolerated, but these predictions have not been confirmed by published functional studies and their clinical significance is uncertain. This variant has not been reported in the literature in individuals with NRXN1-related conditions. This variant is present in population databases (rs758023224, ExAC 0.006%). This sequence change replaces alanine with threonine at codon 1320 of the NRXN1 protein (p.Ala1320Thr). The alanine residue is highly conserved and there is a small physicochemical difference between alanine and threonine.

NM_001330078.2(NRXN1):c.3838G>A (p.Ala1280Thr)

Gene: NRXN1 (neurexin 1; minus strand). Cytogenetic location: 2p16.3.
Variant type: single nucleotide variant.
Coding change: c.3838G>A on transcript NM_001330078.2 (MANE Select); coding-DNA position 3838, G replaced by A.
Protein change: p.Ala1280Thr; replaces alanine 1280 with threonine.
Molecular consequence: missense variant.
Genome position (GRCh38, 1-based): chr2:50,053,561, C>T on the plus strand (G>A on the coding strand, the complement: NRXN1 is on the minus strand). VCF-style: chr2-50053561-C-T. GRCh37 (hg19) VCF-style: chr2-50280699-C-T.
Other names: c.3958G>A, p.Ala1320Thr (NM_001135659.3); c.3814G>A, p.Ala1272Thr (NM_001330077.2, NM_001330082.2); c.3682G>A, p.Ala1228Thr (NM_001330083.2); c.3772G>A, p.Ala1258Thr (NM_001330084.2); c.3811G>A, p.Ala1271Thr (NM_001330085.2); c.3838G>A, p.Ala1280Thr (NM_001330086.2); c.3637G>A, p.Ala1213Thr (NM_001330087.2, NM_001330096.2); c.3667G>A, p.Ala1223Thr (NM_001330088.2); and 6 more; short protein forms A1233T, A1280T, A1279T, A1258T, A1320T, A215T, A245T, A1213T.
Identifiers: ClinVar variation 968473 (VCV000968473.9), dbSNP rs758023224, ClinGen allele CA1654341.